The following is an entry in ClinVar:

NM_001040142.2(SCN2A):c.3347A>C (p.Asn1116Thr)

Gene: SCN2A (sodium voltage-gated channel alpha subunit 2; plus strand). Cytogenetic location: 2q24.3.
Variant type: single nucleotide variant.
Coding change: c.3347A>C on transcript NM_001040142.2 (MANE Select); coding-DNA position 3347, A replaced by C.
Protein change: p.Asn1116Thr; replaces asparagine 1116 with threonine.
Molecular consequence: missense variant.
Genome position (GRCh38, 1-based): chr2:165,354,619, A>C. VCF-style: chr2-165354619-A-C. GRCh37 (hg19) VCF-style: chr2-166211129-A-C.
Other names: c.3347A>C, p.Asn1116Thr (NM_001040143.2, NM_001371246.1, NM_001371247.1 and 1 more transcripts); short protein forms N1116T.
Identifiers: ClinVar variation 2505946 (VCV002505946.1), dbSNP rs2468036823, ClinGen allele CA349021952.
Genomic context (GRCh38, chr2:165,354,619, plus strand): 5'-TAAACAACCCTAGCCTCACTGTGACAGTACCAATTGCTGTTGGAGAATCTGACTTTGAAA[A>C]TTTAAATACTGAAGAATTCAGCAGCGAGTCAGATATGGAGGAAAGCAAAGAGGTAAAAAT-3'
Protein context (NP_001035232.1, residues 1106-1126): PIAVGESDFE[Asn1116Thr]LNTEEFSSES

ClinVar aggregate classification (germline): Uncertain significance (1 of 4 stars; one submission).

Submission:

GeneDx
Classification: Uncertain significance. Last evaluated: 2022-12-13. Review status: criteria provided, single submitter. Criteria: GeneDx Variant Classification Process June 2021. Collection method: clinical testing. Allele origin: germline. Affected: yes.
Comment: Not observed at significant frequency in large population cohorts (gnomAD); In silico analysis supports that this missense variant has a deleterious effect on protein structure/function; Missense variants in this gene are often considered pathogenic (HGMD); This substitution is predicted to be in the cytoplasmic loop between the second and third homologous domains; Has not been previously published as pathogenic or benign to our knowledge